The following is an entry in ClinVar:

ClinVar aggregate classification (germline): Conflicting classifications of pathogenicity. Review status: criteria provided, conflicting classifications (1 of 4 stars). 9 submissions from 9 submitters: Uncertain significance (1); Benign (3); Likely benign (2). 3 of the submissions do not count toward it. Last evaluated 2026-02-01.

Conditions:
PKD2-related disorder. Also called: PKD2-related condition.
Autosomal dominant polycystic kidney disease. Identifiers: Orphanet 730, MedGen C0085413, MONDO:0004691.
Polycystic kidney disease 2 (PKD2). Also called: Polycystic Kidney Disease 2, Autosomal Dominant; POLYCYSTIC KIDNEY DISEASE, ADULT, TYPE II; POLYCYSTIC KIDNEY DISEASE 2 WITH OR WITHOUT POLYCYSTIC LIVER DISEASE. Identifiers: MedGen C2751306, MONDO:0013131, OMIM 613095.
Polycystic kidney disease. Also called: Kidney, Polycystic; Polycystic kidney dysplasia. Identifiers: MedGen C0022680, MeSH D007690, MONDO:0020642, HP:0000113.

Allele frequency attached by ClinVar (database versions not stated): 1000 Genomes Project 0.00060; gnomAD exomes 0.00073; gnomAD 0.00076 and 0.00078; 1000 Genomes Project 30x 0.00078; ExAC 0.00078; ESP Exome Variant Server 0.00092; TOPMed 0.00096.
gnomAD v4.1: 1,446 of 1,613,972 alleles (0.09%); highest among the groups gnomAD compares: South Asian, 0.16%; 9 homozygotes.

Submissions (9):

Labcorp Genetics (formerly Invitae), Labcorp
Classification: Benign for Autosomal dominant polycystic kidney disease. Last evaluated: 2026-02-01. Review status: criteria provided, single submitter. Criteria: Invitae Variant Classification Sherloc (09022015). Collection method: clinical testing. Allele origin: germline.

CeGaT Center for Human Genetics Tuebingen
Classification: Benign. Last evaluated: 2025-11-01. Review status: criteria provided, single submitter. Criteria: CeGaT Center For Human Genetics Tuebingen Variant Classification Criteria Version 2. Collection method: clinical testing. Allele origin: germline. Affected: yes. Observed: 3 variant alleles.
Comment: PKD2: BP4, BS1, BS2

Blueprint Genetics
Classification: Likely benign. Last evaluated: 2024-11-21. Review status: criteria provided, single submitter. Criteria: ACMG Guidelines, 2015. Collection method: clinical testing. Allele origin: germline.

Athena Diagnostics
Classification: Benign. Last evaluated: 2019-06-13. Review status: criteria provided, single submitter. Criteria: Athena Diagnostics Criteria. Collection method: clinical testing. Allele origin: germline.

Illumina Laboratory Services, Illumina
Classification: Uncertain significance for Polycystic kidney disease 2. Last evaluated: 2018-01-12. Review status: criteria provided, single submitter. Criteria: ICSL Variant Classification Criteria 13 December 2019. Collection method: clinical testing. Allele origin: germline.

Eurofins Ntd Llc (ga)
Classification: Likely benign. Last evaluated: 2016-05-18. Review status: criteria provided, single submitter. Criteria: EGL Classification Definitions 2015. Collection method: clinical testing. Allele origin: germline. Observed: 1 variant allele, 1 heterozygote.

Genetic Services Laboratory, University of Chicago
Classification: Likely benign. Last evaluated: 2022-11-21. Review status: no assertion criteria provided. Collection method: clinical testing. Allele origin: germline. Affected: no. Not counted in ClinVar's aggregate classification.

PreventionGenetics, part of Exact Sciences
Classification: Likely benign for PKD2-related condition. Last evaluated: 2019-08-29. Review status: no assertion criteria provided. Collection method: clinical testing. Allele origin: germline. Not counted in ClinVar's aggregate classification.
Comment: This variant is classified as likely benign based on ACMG/AMP sequence variant interpretation guidelines (Richards et al. 2015 PMID: 25741868, with internal and published modifications).

Department of Pathology and Laboratory Medicine, Sinai Health System
Classification: Benign for Polycystic Kidney disease. Review status: no assertion criteria provided. Collection method: clinical testing. Allele origin: unknown. Affected: yes. Study: The Canadian Open Genetics Repository (COGR). Not counted in ClinVar's aggregate classification.
Comment: The PKD2 p.Val262Met variant was not identified in the literature nor was it identified in the LOVD 3.0 or PKD1-LOVD databases. The variant was identified in dbSNP (ID: rs138132026) as "With Likely benign allele", ClinVar (classified as likely benign by EGL Genetics), and in ADPKD Mutation Database (as Likely Neutral). The variant was identified in control databases in 204 of 276782 chromosomes (2 homozygous) at a frequency of 0.0007, increasing the likelihood this could be a low frequency benign variant (Genome Aggregation Database Feb 27, 2017). The variant was observed in the following populations: African in 7 of 24022 chromosomes (freq: 0.0003), Other in 5 of 6464 chromosomes (freq: 0.0008), Latino in 22 of 34400 chromosomes (freq: 0.0006), European in 113 of 126320 chromosomes (freq: 0.0009), Ashkenazi Jewish in 4 of 10136 chromosomes (freq: 0.0004), Finnish in 5 of 25790 chromosomes (freq: 0.0002), and South Asian in 48 of 30780 chromosomes (freq: 0.002), while the variant was not observed in the East Asian population. The p.Val262 residue is conserved in mammals and computational analyses (PolyPhen-2, SIFT, AlignGVGD, BLOSUM, MutationTaster) provide inconsistent predictions regarding the impact to the protein; this information is not very predictive of pathogenicity. The variant occurs outside of the splicing consensus sequence and in silico or computational prediction software programs (SpliceSiteFinder, MaxEntScan, NNSPLICE, GeneSplicer) do not predict a difference in splicing. In summary, based on the above information, this variant meets our laboratory criteria to be classified as benign.

Literature cited by the submitters: PubMed 17582161 (cited by Athena Diagnostics).

NM_000297.4(PKD2):c.784G>A (p.Val262Met)

Gene: PKD2 (polycystin 2, transient receptor potential cation channel; plus strand). Cytogenetic location: 4q22.1.
Variant type: single nucleotide variant.
Coding change: c.784G>A on transcript NM_000297.4 (MANE Select); coding-DNA position 784, G replaced by A.
Protein change: p.Val262Met; replaces valine 262 with methionine.
Molecular consequence: missense variant. On other transcripts: non-coding transcript variant (1).
Genome position (GRCh38, 1-based): chr4:88,036,294, G>A. VCF-style: chr4-88036294-G-A. GRCh37 (hg19) VCF-style: chr4-88957446-G-A.
Other names: short protein forms V262M.
Identifiers: ClinVar variation 287394 (VCV000287394.49), dbSNP rs138132026, ClinGen allele CA3003802.
Genomic context (GRCh38, chr4:88,036,294, plus strand): 5'-ATGAGCTCCAATGTGTACTACTACACCCGGATGATGTCACAGCTCTTCCTAGACACCCCC[G>A]TGTCCAAAACGGAGAAAACTAACTTTAAAACTCTGTCTTCCATGGAAGACTTCTGGAAGG-3'
Protein context (NP_000288.1, residues 252-272): MMSQLFLDTP[Val262Met]SKTEKTNFKT